The following is an entry in ClinVar:

ClinVar aggregate classification (germline): Uncertain significance (1 of 4 stars; one submission).

Submission:

GeneDx
Classification: Uncertain significance. Last evaluated: 2026-04-02. Review status: criteria provided, single submitter. Criteria: GeneDx Variant Classification Process June 2021. Collection method: clinical testing. Allele origin: germline.
Comment: Identified in at least one patient with DCM in published literature (PMID: 31514951, 36396199); Not observed at significant frequency in large population cohorts (gnomAD); In silico analysis supports that this missense variant has a deleterious effect on protein structure/function; This variant is associated with the following publications: (PMID: 10939567, 36396199, 31514951, 40925291)

NM_170707.4(LMNA):c.821C>T (p.Ala274Val)

Gene: LMNA (lamin A/C; plus strand). Cytogenetic location: 1q22.
Variant type: single nucleotide variant.
Coding change: c.821C>T on transcript NM_170707.4 (MANE Select); coding-DNA position 821, C replaced by T.
Protein change: p.Ala274Val; replaces alanine 274 with valine.
Molecular consequence: missense variant.
Genome position (GRCh38, 1-based): chr1:156,135,197, C>T. VCF-style: chr1-156135197-C-T. GRCh37 (hg19) VCF-style: chr1-156104988-C-T.
Other names: c.821C>T, p.Ala274Val (NM_005572.4, NM_170708.4, NM_001282625.2 and 6 more transcripts); c.485C>T, p.Ala162Val (NM_001257374.3, NM_001406989.1, NM_001406998.1); c.578C>T, p.Ala193Val (NM_001282624.2, NM_001406986.1, NM_001406987.1); c.524C>T, p.Ala175Val (NM_001406988.1); c.263C>T, p.Ala88Val (NM_001406990.1, NM_001406995.1, NM_001406996.1 and 4 more transcripts); c.157C>T, p.Pro53Ser (NM_001406999.1, NM_001407000.1, NM_001407001.1 and 1 more transcripts); short protein forms A162V, A175V, A193V, A274V, A88V, P53S.
Identifiers: ClinVar variation 3340827 (VCV003340827.2).
Genomic context (GRCh38, chr1:156,135,197, plus strand): 5'-CTCCACCCCTCCCAGTCACCACAGTCCTAACCCTTTGTCCTCCCCTCCAGCTGGACAATG[C>T]CAGGCAGTCTGCTGAGAGGAACAGCAACCTGGTGGGGGCTGCCCACGAGGAGCTGCAGCA-3'
Protein context (NP_733821.1, residues 264-284): EKTYSAKLDN[Ala274Val]RQSAERNSNL